The following is an entry in ClinVar:

ClinVar aggregate classification (germline): Uncertain significance (1 of 4 stars; one submission).

Submission:

Labcorp Genetics (formerly Invitae), Labcorp
Classification: Uncertain significance. Last evaluated: 2022-05-06. Review status: criteria provided, single submitter. Criteria: Invitae Variant Classification Sherloc (09022015). Collection method: clinical testing. Allele origin: germline.
Comment: This sequence change replaces arginine, which is basic and polar, with lysine, which is basic and polar, at codon 1643 of the C2CD3 protein (p.Arg1643Lys). This variant is not present in population databases (gnomAD no frequency). This variant has not been reported in the literature in individuals affected with C2CD3-related conditions. Algorithms developed to predict the effect of missense changes on protein structure and function are either unavailable or do not agree on the potential impact of this missense change (SIFT: "Deleterious"; PolyPhen-2: "Probably Damaging"; Align-GVGD: "Class C0"). In summary, the available evidence is currently insufficient to determine the role of this variant in disease. Therefore, it has been classified as a Variant of Uncertain Significance.

NM_001286577.2(C2CD3):c.4928G>A (p.Arg1643Lys)

Gene: C2CD3 (C2 domain containing 3 centriole elongation regulator; minus strand). Cytogenetic location: 11q13.4.
Variant type: single nucleotide variant.
Coding change: c.4928G>A on transcript NM_001286577.2 (MANE Select); coding-DNA position 4928, G replaced by A.
Protein change: p.Arg1643Lys; replaces arginine 1643 with lysine.
Molecular consequence: missense variant.
Genome position (GRCh38, 1-based): chr11:74,074,276, C>T on the plus strand (G>A on the coding strand, the complement: C2CD3 is on the minus strand). VCF-style: chr11-74074276-C-T. GRCh37 (hg19) VCF-style: chr11-73785321-C-T.
Other names: c.4928G>A, p.Arg1643Lys (NM_015531.6); short protein forms R1643K.
Identifiers: ClinVar variation 1969789 (VCV001969789.5), dbSNP rs2496344745, ClinGen allele CA381814116.